The following is an entry in ClinVar:

ClinVar aggregate classification (germline): Uncertain significance. Review status: criteria provided, multiple submitters, no conflicts (2 of 4 stars). 2 submissions from 2 submitters: Uncertain significance (2). Last evaluated 2022-07-13.

Conditions:
Autosomal dominant nonsyndromic hearing loss 4A. Also called: Deafness, autosomal dominant 4A. Identifiers: Orphanet 90635, MedGen C1833503, MONDO:0010915, OMIM 600652.

Allele frequency attached by ClinVar (database versions not stated): gnomAD 0.00001 and 0.00005; TOPMed 0.00003; gnomAD exomes 0.00004; ExAC 0.00006; 1000 Genomes Project 30x 0.00031; 1000 Genomes Project 0.00040.
gnomAD v4.1: 40 of 1,609,520 alleles (0.0025%); highest among the groups gnomAD compares: South Asian, 0.017%; 1 homozygote.

Submissions (2):

Labcorp Genetics (formerly Invitae), Labcorp
Classification: Uncertain significance. Last evaluated: 2022-07-13. Review status: criteria provided, single submitter. Criteria: Invitae Variant Classification Sherloc (09022015). Collection method: clinical testing. Allele origin: germline.
Comment: This variant has not been reported in the literature in individuals affected with MYH14-related conditions. In summary, the available evidence is currently insufficient to determine the role of this variant in disease. Therefore, it has been classified as a Variant of Uncertain Significance. Algorithms developed to predict the effect of missense changes on protein structure and function are either unavailable or do not agree on the potential impact of this missense change (SIFT: "Deleterious"; PolyPhen-2: "Probably Damaging"; Align-GVGD: "Class C15"). ClinVar contains an entry for this variant (Variation ID: 329915). This variant is present in population databases (rs539256005, gnomAD 0.02%). This sequence change replaces aspartic acid, which is acidic and polar, with asparagine, which is neutral and polar, at codon 655 of the MYH14 protein (p.Asp655Asn).

Illumina Laboratory Services, Illumina
Classification: Uncertain significance for Autosomal dominant nonsyndromic hearing loss 4A. Last evaluated: 2018-01-13. Review status: criteria provided, single submitter. Criteria: ICSL Variant Classification Criteria 13 December 2019. Collection method: clinical testing. Allele origin: germline.

NM_001145809.2(MYH14):c.2086G>A (p.Asp696Asn)

Gene: MYH14 (myosin heavy chain 14; plus strand). Cytogenetic location: 19q13.33.
Variant type: single nucleotide variant.
Coding change: c.2086G>A on transcript NM_001145809.2 (MANE Select); coding-DNA position 2086, G replaced by A.
Protein change: p.Asp696Asn; replaces aspartic acid 696 with asparagine.
Molecular consequence: missense variant.
Genome position (GRCh38, 1-based): chr19:50,257,340, G>A. VCF-style: chr19-50257340-G-A. GRCh37 (hg19) VCF-style: chr19-50760597-G-A.
Other names: c.1987G>A, p.Asp663Asn (NM_001077186.2); c.1963G>A, p.Asp655Asn (NM_024729.4); short protein forms D696N, D655N, D663N.
Identifiers: ClinVar variation 329915 (VCV000329915.9), dbSNP rs539256005, ClinGen allele CA9592792.